The following is an entry in ClinVar:

ClinVar aggregate classification (germline): Uncertain significance. Review status: criteria provided, multiple submitters, no conflicts (2 of 4 stars). 2 submissions from 2 submitters: Uncertain significance (2). Last evaluated 2025-08-20.

Conditions:
Inborn genetic diseases. Identifiers: MedGen C0950123, MeSH D030342.

Allele frequency attached by ClinVar (database versions not stated): gnomAD exomes 0.00002 and 0.00008; ExAC 0.00012; gnomAD 0.00025 and 0.00026; ESP Exome Variant Server 0.00040; 1000 Genomes Project 30x 0.00047; 1000 Genomes Project 0.00060.
gnomAD v4.1: 68 of 1,613,600 alleles (0.0042%); highest among the groups gnomAD compares: African/African-American, 0.083%; no homozygotes.

Submissions (2):

Ambry Genetics
Classification: Uncertain significance for Inborn genetic diseases. Last evaluated: 2025-08-20. Review status: criteria provided, single submitter. Criteria: Ambry Variant Classification Scheme 2023. Collection method: clinical testing. Allele origin: germline.

Labcorp Genetics (formerly Invitae), Labcorp
Classification: Uncertain significance. Last evaluated: 2024-12-09. Review status: criteria provided, single submitter. Criteria: Invitae Variant Classification Sherloc (09022015). Collection method: clinical testing. Allele origin: germline.
Comment: This sequence change replaces phenylalanine, which is neutral and non-polar, with leucine, which is neutral and non-polar, at codon 974 of the LRRK1 protein (p.Phe974Leu). This variant is present in population databases (rs201547686, gnomAD 0.1%). This variant has not been reported in the literature in individuals affected with LRRK1-related conditions. ClinVar contains an entry for this variant (Variation ID: 1525425). An algorithm developed to predict the effect of missense changes on protein structure and function (PolyPhen-2) suggests that this variant is likely to be disruptive. In summary, the available evidence is currently insufficient to determine the role of this variant in disease. Therefore, it has been classified as a Variant of Uncertain Significance.

NM_024652.6(LRRK1):c.2922C>G (p.Phe974Leu)

Gene: LRRK1 (leucine rich repeat kinase 1; plus strand). Cytogenetic location: 15q26.3.
Variant type: single nucleotide variant.
Coding change: c.2922C>G on transcript NM_024652.6 (MANE Select); coding-DNA position 2922, C replaced by G.
Protein change: p.Phe974Leu; replaces phenylalanine 974 with leucine.
Molecular consequence: missense variant.
Genome position (GRCh38, 1-based): chr15:101,029,191, C>G. VCF-style: chr15-101029191-C-G. GRCh37 (hg19) VCF-style: chr15-101569396-C-G.
Other names: c.2922C>G (NM_024652.3); short protein forms F974L.
Identifiers: ClinVar variation 1525425 (VCV001525425.7), dbSNP rs201547686, ClinGen allele CA7761378.